The following is an entry in ClinVar:

ClinVar aggregate classification (germline): Uncertain significance (1 of 4 stars; one submission).

gnomAD v4.1: 3 of 1,613,876 alleles (0.00019%); highest among the groups gnomAD compares: South Asian, 0.0022%; no homozygotes.

Submission:

Labcorp Genetics (formerly Invitae), Labcorp
Classification: Uncertain significance. Last evaluated: 2024-08-15. Review status: criteria provided, single submitter. Criteria: Invitae Variant Classification Sherloc (09022015). Collection method: clinical testing. Allele origin: germline.
Comment: This sequence change replaces methionine, which is neutral and non-polar, with valine, which is neutral and non-polar, at codon 750 of the MAGEL2 protein (p.Met750Val). This variant is present in population databases (no rsID available, gnomAD no frequency). This variant has not been reported in the literature in individuals affected with MAGEL2-related conditions. Invitae Evidence Modeling of protein sequence and biophysical properties (such as structural, functional, and spatial information, amino acid conservation, physicochemical variation, residue mobility, and thermodynamic stability) indicates that this missense variant is not expected to disrupt MAGEL2 protein function with a negative predictive value of 80%. In summary, the available evidence is currently insufficient to determine the role of this variant in disease. Therefore, it has been classified as a Variant of Uncertain Significance.

NM_019066.5(MAGEL2):c.2248A>G (p.Met750Val)

Gene: MAGEL2 (MAGE family member L2; minus strand). Cytogenetic location: 15q11.2.
Variant type: single nucleotide variant.
Coding change: c.2248A>G on transcript NM_019066.5 (MANE Select); coding-DNA position 2248, A replaced by G.
Protein change: p.Met750Val; replaces methionine 750 with valine.
Molecular consequence: missense variant.
Genome position (GRCh38, 1-based): chr15:23,645,495, T>C on the plus strand (A>G on the coding strand, the complement: MAGEL2 is on the minus strand). VCF-style: chr15-23645495-T-C. GRCh37 (hg19) VCF-style: chr15-23890642-T-C.
Other names: short protein forms M750V.
Identifiers: ClinVar variation 3662625 (VCV003662625.2).